The following is an entry in ClinVar:

NM_001611.5(ACP5):c.266_272del (p.Thr89fs)

Gene: ACP5 (acid phosphatase 5, tartrate resistant; minus strand). Cytogenetic location: 19p13.2.
Variant type: Deletion.
Coding change: c.266_272del on transcript NM_001611.5 (MANE Select); coding-DNA positions 266 to 272, 7 bases deleted (CCTTTGA; older notation c.266_272delCCTTTGA).
Protein change: p.Thr89fs; shifts the reading frame from threonine 89.
Molecular consequence: frameshift variant.
Genome position (GRCh38, 1-based): chr19:11,576,833-11,576,839, TCAAAGG deleted on the plus strand (CCTTTGA on the coding strand, the reverse complement: ACP5 is on the minus strand); deleting any 7 consecutive bases within chr19:11,576,833-11,576,841 gives the same sequence; the c. name uses the placement nearest the transcript's 3' end. VCF-style (leftmost placement, unchanged base first): chr19-11576832-CTCAAAGG-C. GRCh37 (hg19) VCF-style: chr19-11687647-CTCAAAGG-C.
Other names: c.266_272del, p.Thr89fs (NM_001111034.3, NM_001111035.3, NM_001111036.3 and 1 more transcripts); short protein forms T89fs.
Identifiers: ClinVar variation 1452787 (VCV001452787.6), dbSNP rs2145091349, ClinGen allele CA2573156052.
Genomic context (GRCh38, chr19:11,576,832, plus strand): 5'-ATGGTTTCCGGCTAGCACGTACCAGGGCACTTTGCGAAGGGAGCGGTCAGAGAATACGTC[CTCAAAGG>C]TCTCCTGTAGCAAACAGATAGGGCAGGCCTCTTCCCTGGGGTCAGTGGCTATGCCGATCC-3'

ClinVar aggregate classification (germline): Pathogenic (1 of 4 stars; one submission).

Conditions:
Spondyloenchondrodysplasia with immune dysregulation (SPENCDI). Also called: COMBINED IMMUNODEFICIENCY WITH AUTOIMMUNITY AND SPONDYLOMETAPHYSEAL DYSPLASIA; ROIFMAN IMMUNOSKELETAL SYNDROME; SPONDYLOENCHONDRODYSPLASIA WITH OR WITHOUT IMMUNE DYSREGULATION. Identifiers: Orphanet 1855, MedGen C1842763, MONDO:0011939, OMIM 607944.

Submission:

Labcorp Genetics (formerly Invitae), Labcorp
Classification: Pathogenic for Spondyloenchondrodysplasia with immune dysregulation. Last evaluated: 2021-03-29. Review status: criteria provided, single submitter. Criteria: Invitae Variant Classification Sherloc (09022015). Collection method: clinical testing. Allele origin: germline.
Comment: For these reasons, this variant has been classified as Pathogenic. This variant has not been reported in the literature in individuals with ACP5-related conditions. This variant is not present in population databases (ExAC no frequency). This sequence change creates a premature translational stop signal (p.Thr89Argfs*17) in the ACP5 gene. It is expected to result in an absent or disrupted protein product. Loss-of-function variants in ACP5 are known to be pathogenic (PMID: 21217752, 21217755).

Literature cited by the submitters: PubMed 21217752; PubMed 21217755.